The following is an entry in ClinVar:

NM_014339.7(IL17RA):c.1085C>T (p.Thr362Ile)

Genes: IL17RA (interleukin 17 receptor A; plus strand), LOC126863094 (MED14-independent group 3 enhancer GRCh37_chr22:17587847-17589046; plus strand). Cytogenetic location: 22q11.1.
Variant type: single nucleotide variant.
Coding change: c.1085C>T on transcript NM_014339.7 (MANE Select); coding-DNA position 1085, C replaced by T.
Protein change: p.Thr362Ile; replaces threonine 362 with isoleucine.
Molecular consequence: missense variant.
Genome position (GRCh38, 1-based): chr22:17,107,766, C>T. VCF-style: chr22-17107766-C-T. GRCh37 (hg19) VCF-style: chr22-17588656-C-T.
Other names: c.1085C>T (NM_014339.5); c.983C>T, p.Thr328Ile (NM_001289905.2); short protein forms T362I, T328I.
Identifiers: ClinVar variation 1367994 (VCV001367994.9), dbSNP rs371565499, ClinGen allele CA10086659.

ClinVar aggregate classification (germline): Uncertain significance. Review status: criteria provided, multiple submitters, no conflicts (2 of 4 stars). 2 submissions from 2 submitters: Uncertain significance (2). Last evaluated 2023-10-13.

Conditions:
Immunodeficiency 51 (IMD51). Also called: CANDIDIASIS, FAMILIAL, 5. Identifiers: Orphanet 1334, MedGen C4310803, MONDO:0013500, OMIM 613953.

Allele frequency attached by ClinVar (database versions not stated): gnomAD exomes 0.00001; ExAC 0.00002; gnomAD 0.00009 and 0.00010; ESP Exome Variant Server 0.00015; TOPMed 0.00017.
gnomAD v4.1: 27 of 1,613,222 alleles (0.0017%); highest among the groups gnomAD compares: African/African-American, 0.025%; no homozygotes.

Submissions (2):

Labcorp Genetics (formerly Invitae), Labcorp
Classification: Uncertain significance for Immunodeficiency 51. Last evaluated: 2023-10-13. Review status: criteria provided, single submitter. Criteria: Invitae Variant Classification Sherloc (09022015). Collection method: clinical testing. Allele origin: germline.
Comment: This sequence change replaces threonine, which is neutral and polar, with isoleucine, which is neutral and non-polar, at codon 362 of the IL17RA protein (p.Thr362Ile). This variant is present in population databases (rs371565499, gnomAD 0.02%). This variant has not been reported in the literature in individuals affected with IL17RA-related conditions. ClinVar contains an entry for this variant (Variation ID: 1367994). An algorithm developed to predict the effect of missense changes on protein structure and function (PolyPhen-2) suggests that this variant¬†is likely to be tolerated. In summary, the available evidence is currently insufficient to determine the role of this variant in disease. Therefore, it has been classified as a Variant of Uncertain Significance.

Ambry Genetics
Classification: Uncertain significance. Last evaluated: 2023-07-19. Review status: criteria provided, single submitter. Criteria: Ambry Variant Classification Scheme 2023. Collection method: clinical testing. Allele origin: germline.